The following is an entry in ClinVar:

ClinVar aggregate classification (germline): Uncertain significance (1 of 4 stars; one submission).

Conditions:
Diamond-Blackfan anemia. Also called: Blackfan Diamond syndrome; Aregenerative anemia chronic congenital; Red cell aplasia, pure hereditary; Congenital hypoplastic anemia; Aase syndrome. Identifiers: Orphanet 124, MedGen C1260899, MeSH D029503, MONDO:0015253, HP:0004810.

Submission:

Labcorp Genetics (formerly Invitae), Labcorp
Classification: Uncertain significance for Diamond-Blackfan anemia. Last evaluated: 2023-02-16. Review status: criteria provided, single submitter. Criteria: Invitae Variant Classification Sherloc (09022015). Collection method: clinical testing. Allele origin: unknown.
Comment: This variant has not been reported in the literature in individuals affected with RPL5-related conditions. In summary, the available evidence is currently insufficient to determine the role of this variant in disease. Therefore, it has been classified as a Variant of Uncertain Significance. Experimental studies and prediction algorithms are not available or were not evaluated, and the functional significance of this variant is currently unknown. A copy number gain of the genomic region encompassing the full coding sequence of the RPL5 gene has been identified. The boundaries of this event are unknown as they extend beyond the assayed region for this gene and therefore may encompass additional genes. As the precise location of this event is unknown, it may be in tandem or it may be located elsewhere in the genome.

NC_000001.10:g.(?_91726847)_(93307422_?)dup

Genes: BRDT (bromodomain testis associated; plus strand), BTBD8 (BTB domain containing 8; plus strand), C1orf146 (chromosome 1 open reading frame 146; plus strand), CDC7 (cell division cycle 7; plus strand), DIPK1A (divergent protein kinase domain 1A; minus strand) and 9 more. Cytogenetic location: 1p22.2-22.1.
Variant type: Duplication.
Identifiers: ClinVar variation 3247718 (VCV003247718.1).